The following is an entry in ClinVar:

NM_177438.3(DICER1):c.5138A>T (p.Asp1713Val)

Gene: DICER1 (dicer 1, ribonuclease III; minus strand). Cytogenetic location: 14q32.13.
Variant type: single nucleotide variant.
Coding change: c.5138A>T on transcript NM_177438.3 (MANE Select); coding-DNA position 5138, A replaced by T.
Protein change: p.Asp1713Val; replaces aspartic acid 1713 with valine.
Molecular consequence: missense variant.
Genome position (GRCh38, 1-based): chr14:95,094,114, T>A on the plus strand (A>T on the coding strand, the complement: DICER1 is on the minus strand). VCF-style: chr14-95094114-T-A. GRCh37 (hg19) VCF-style: chr14-95560451-T-A.
Other names: NM_030621.4(DICER1):c.5138A>T; p.Asp1713Val; c.5138A>T, p.Asp1713Val (NM_001195573.1, NM_001271282.3, NM_001291628.2 and 1 more transcripts); short protein forms D1713V.
Identifiers: ClinVar variation 690454 (VCV000690454.10), dbSNP rs1595331224, ClinGen allele CA390865363.

ClinVar aggregate classification (germline): Likely pathogenic. Review status: reviewed by expert panel (3 of 4 stars). 4 submissions from 4 submitters: Likely pathogenic (1). 3 of the submissions do not count toward it. Last evaluated 2026-09-01.

Conditions:
DICER1-related tumor predisposition. Also called: DICER1-related pleuropulmonary blastoma cancer predisposition syndrome; DICER1 syndrome. Identifiers: Orphanet 284343, MedGen C3839822, MONDO:0100216.
Global developmental delay - lung cysts - overgrowth - Wilms tumor syndrome. Also called: GLOBAL DEVELOPMENTAL DELAY, LUNG CYSTS, OVERGROWTH, AND WILMS TUMOR; GLOW Syndrome. Identifiers: Orphanet 404476, MedGen C4748924, MONDO:0018445, OMIM 618272.

Submissions (4):

ClinGen DICER1 and miRNA-Processing Gene Variant Curation Expert Panel, ClinGen
Classification: Likely pathogenic for DICER1-related tumor predisposition. Last evaluated: 2026-09-01. Review status: reviewed by expert panel. Criteria: ClinGen DICER1 and miRNA-Processing Gene Expert Panel Specifications to the ACMG/AMP Variant Interpretation Guidelines for DICER1 Version 1.4. Collection method: curation. Allele origin: germline. Inheritance: Autosomal dominant inheritance.
Comment: The NM_177438.2:c.5138A>T variant in DICER1 is a missense variant predicted to cause substitution of aspartic acid by valine at amino acid 1713 (p.Asp1713Val). This variant has been identified as a de novo occurrence with constitutional mosaicism in 1 individual with Wilms tumor and lung cysts (PS2_Supporting; PMID: 24676357, SCV000993707.1). This variant is absent from gnomAD v4.1.0 (PM2_Supporting). An in vitro cleavage assay using immunopurified DICER1 variant p.Asp1713Val showed that this variant reduces the capacity of the protein to produce 5p microRNAs from a pre-miRNA, indicating that it impacts protein function (PS3_Supporting; PMID: 28862265). In silico tools predict a damaging impact of the variant on protein function (REVEL: 0.968) (PP3). This variant resides in the p.1713 metal ion-binding residue located in the RNase IIIb domain of DICER1, which is defined as a mutational hotspot and critical functional domain by the ClinGen DICER1 VCEP (PM1, PMID: 31342592). In summary, this variant meets the criteria to be classified as Likely Pathogenic for DICER1-related tumor predisposition based on the ACMG/AMP criteria applied, as specified by the ClinGen DICER1 VCEP: PS2_Supporting, PM2_Supporting, PS3_Supporting, PP3, PM1. (VCEP specifications version 1.4.0). Based on Tavtigian et al 2020 (PMID:32720330) and total points = 6, equating to a classification of Likely Pathogenic.

PreventionGenetics, part of Exact Sciences
Classification: Likely pathogenic. Last evaluated: 2020-04-03. Review status: criteria provided, single submitter. Criteria: ACMG Guidelines, 2015. Collection method: clinical testing. Allele origin: germline. Not counted in ClinVar's aggregate classification.

Foulkes Cancer Genetics LDI, Lady Davis Institute for Medical Research
Classification: Pathogenic for Pleuropulmonary blastoma. Last evaluated: 2019-07-01. Review status: criteria provided, single submitter. Criteria: ACMG Guidelines, 2015. Collection method: curation. Allele origin: somatic, de novo, unknown. Affected: yes. Observed: 5 variant alleles. Not counted in ClinVar's aggregate classification.
Comment: ACMG criteria met: PS2, PS3, PM1, PM2, PP4

OMIM
Classification: Pathogenic for GLOW SYNDROME. Last evaluated: 2019-01-08. Review status: no assertion criteria provided. Collection method: literature only. Allele origin: germline. Not counted in ClinVar's aggregate classification.

Literature cited by the submitters: PubMed 24676357 (cited by Foulkes Cancer Genetics LDI, Lady Davis Institute for Medical Research and OMIM); PubMed 28862265 (cited by Foulkes Cancer Genetics LDI, Lady Davis Institute for Medical Research); PubMed 28825729 (cited by Foulkes Cancer Genetics LDI, Lady Davis Institute for Medical Research); PubMed 30266945 (cited by Foulkes Cancer Genetics LDI, Lady Davis Institute for Medical Research); Hamosh, A. Personal Communication. 2018. Baltimore, Md. (cited by OMIM).